The following is an entry in ClinVar:

NM_000535.7(PMS2):c.1121A>G (p.Gln374Arg)

Gene: PMS2 (PMS1 homolog 2, mismatch repair system component; minus strand). Cytogenetic location: 7p22.1.
Variant type: single nucleotide variant.
Coding change: c.1121A>G on transcript NM_000535.7 (MANE Select); coding-DNA position 1121, A replaced by G.
Protein change: p.Gln374Arg; replaces glutamine 374 with arginine.
Molecular consequence: missense variant. On other transcripts: intron variant (10), non-coding transcript variant (1).
Genome position (GRCh38, 1-based): chr7:5,989,823, T>C on the plus strand (A>G on the coding strand, the complement: PMS2 is on the minus strand). VCF-style: chr7-5989823-T-C. GRCh37 (hg19) VCF-style: chr7-6029454-T-C.
Other names: c.812A>G, p.Gln271Arg (NM_001406881.1, NM_001406882.1, NM_001322015.2 and 5 more transcripts); c.803A>G, p.Gln268Arg (NM_001406883.1, NM_001322007.2, NM_001322008.2 and 2 more transcripts); c.785A>G, p.Gln262Arg (NM_001406885.1); c.755A>G, p.Gln252Arg (NM_001406886.1); c.716A>G, p.Gln239Arg (NM_001406887.1, NM_001406888.1, NM_001406889.1 and 16 more transcripts); c.820+2150A>G (NM_001406884.1); c.804-6832A>G (NM_001406912.1); c.988+2150A>G (NM_001322006.2, NM_001406870.1); and 13 more; short protein forms Q239R, Q262R, Q318R, Q63R, Q268R, Q338R, Q382R, Q252R.
Identifiers: ClinVar variation 3935123 (VCV003935123.1).

ClinVar aggregate classification (germline): Uncertain significance (1 of 4 stars; one submission).

Conditions:
Hereditary cancer-predisposing syndrome. Also called: Tumor predisposition; Hereditary neoplastic syndrome; Hereditary Cancer Syndrome; Neoplastic Syndromes, Hereditary. Identifiers: Orphanet 140162, MedGen C0027672, MeSH D009386, MONDO:0015356.

Submission:

Ambry Genetics
Classification: Uncertain significance for Hereditary cancer-predisposing syndrome. Last evaluated: 2025-04-25. Review status: criteria provided, single submitter. Criteria: Ambry Variant Classification Scheme 2023. Collection method: clinical testing. Allele origin: germline.
Comment: The p.Q374R variant (also known as c.1121A>G), located in coding exon 10 of the PMS2 gene, results from an A to G substitution at nucleotide position 1121. The glutamine at codon 374 is replaced by arginine, an amino acid with highly similar properties. This variant has been identified in a cohort of 8085 Chinese breast cancer patients (Hu L et al. NPJ Breast Cancer, 2022 Apr;8:52). This amino acid position is well conserved in available vertebrate species. In addition, the in silico prediction for this alteration is inconclusive. Based on the available evidence, the clinical significance of this variant remains unclear.

Literature cited by the submitters: PubMed 35449176.